The following is an entry in ClinVar:

NM_016277.5(RAB23):c.*2485A>G

Genes: BAG2 (BAG cochaperone 2; plus strand), RAB23 (RAB23, member RAS oncogene family; minus strand). Cytogenetic location: 6p12.1.
Variant type: single nucleotide variant.
Coding change: c.*2485A>G on transcript NM_016277.5 (MANE Select); 2485 bases downstream of the stop codon, A replaced by G.
Molecular consequence: 3 prime UTR variant. On other transcripts: non-coding transcript variant (1).
Genome position (GRCh38, 1-based): chr6:57,187,976, T>C on the plus strand (A>G on the coding strand, the complement: RAB23 is on the minus strand). VCF-style: chr6-57187976-T-C. GRCh37 (hg19) VCF-style: chr6-57052774-T-C.
Other names: c.*2485A>G (NM_001278666.2, NM_001278667.2, NM_001278668.2 and 1 more transcripts); c.*3786T>C (NM_004282.4).
Identifiers: ClinVar variation 909371 (VCV000909371.4), dbSNP rs16888376, ClinGen allele CA139735883.
Genomic context (GRCh38, chr6:57,187,976, plus strand): 5'-AACCTGGTTTTATTTAACTATATTGCCTTATATGGGTCATTCTATATACTATTTAATTCA[T>C]AGACAGAGACTGGAAAAGGAAAAGGAAACCTGAGGAACTCTGAAATATGGCAGTTATTCC-3'

ClinVar aggregate classification (germline): Benign (1 of 4 stars; one submission).

Conditions:
RAB23-related Carpenter syndrome. Also called: ACPS II; Carpenter syndrome 1. Identifiers: Orphanet 65759, MedGen C4551510, MONDO:0008710, OMIM 201000.

Allele frequency attached by ClinVar (database versions not stated): TOPMed 0.01420; 1000 Genomes Project 0.01478; gnomAD 0.01267 and 0.01354.

Submission:

Illumina Laboratory Services, Illumina
Classification: Benign for RAB23-related Carpenter syndrome. Last evaluated: 2018-01-12. Review status: criteria provided, single submitter. Criteria: ICSL Variant Classification Criteria 13 December 2019. Collection method: clinical testing. Allele origin: germline.
Comment: This variant was observed in the ICSL laboratory as part of a predisposition screen in an ostensibly healthy population. It had not been previously curated by ICSL or reported in the Human Gene Mutation Database (HGMD: prior to June 1st, 2018), and was therefore a candidate for classification through an automated scoring system. Utilizing variant allele frequency, disease prevalence and penetrance estimates, and inheritance mode, an automated score was calculated to assess if this variant is too frequent to cause the disease. Based on the score and internal cut-off values, a variant classified as benign is not then subjected to further curation. The score for this variant resulted in a classification of benign for this disease.